The following is an entry in ClinVar:

ClinVar aggregate classification (germline): Benign/Likely benign. Review status: criteria provided, multiple submitters, no conflicts (2 of 4 stars). 6 submissions from 6 submitters: Benign (1); Likely benign (5). Last evaluated 2026-02-02.

Conditions:
Charcot-Marie-Tooth disease dominant intermediate B (CMTDIB). Also called: Charcot-Marie-Tooth disease dominant intermediate 1; CMT DI1; Charcot-Marie-Tooth disease dominant intermediate I; CHARCOT-MARIE-TOOTH NEUROPATHY, DOMINANT INTERMEDIATE B. Identifiers: Orphanet 100044, Orphanet 228179, MedGen C1847902, MONDO:0011674, OMIM 606482.
Inborn genetic diseases. Identifiers: MedGen C0950123, MeSH D030342.
DNM2-related disorder. Also called: DNM2-related condition.

Allele frequency attached by ClinVar (database versions not stated): gnomAD exomes 0.00006 and 0.00016; gnomAD 0.00008 and 0.00009; TOPMed 0.00009; ExAC 0.00022; 1000 Genomes Project 0.00040; 1000 Genomes Project 30x 0.00047.
gnomAD v4.1: 110 of 1,614,178 alleles (0.0068%); highest among the groups gnomAD compares: East Asian, 0.17%; 1 homozygote.

Submissions (6):

Labcorp Genetics (formerly Invitae), Labcorp
Classification: Benign for Charcot-Marie-Tooth disease dominant intermediate B. Last evaluated: 2026-02-02. Review status: criteria provided, single submitter. Criteria: Invitae Variant Classification Sherloc (09022015). Collection method: clinical testing. Allele origin: germline.

PreventionGenetics, part of Exact Sciences
Classification: Likely benign for DNM2-related condition. Last evaluated: 2025-04-08. Review status: criteria provided, single submitter. Criteria: ACMG Guidelines, 2015. Collection method: clinical testing. Allele origin: germline.
Comment: This variant is classified as likely benign based on ACMG/AMP sequence variant interpretation guidelines (Richards et al. 2015 PMID: 25741868, with internal and published modifications).

CeGaT Center for Human Genetics Tuebingen
Classification: Likely benign. Last evaluated: 2020-09-01. Review status: criteria provided, single submitter. Criteria: CeGaT Center For Human Genetics Tuebingen Variant Classification Criteria Version 2. Collection method: clinical testing. Allele origin: germline. Affected: yes. Observed: 1 variant allele.

Ambry Genetics
Classification: Likely benign for Inborn genetic diseases. Last evaluated: 2019-07-11. Review status: criteria provided, single submitter. Criteria: Ambry Variant Classification Scheme 2023. Collection method: clinical testing. Allele origin: germline.

GeneDx
Classification: Likely benign. Last evaluated: 2017-10-23. Review status: criteria provided, single submitter. Criteria: GeneDx Variant Classification (06012015). Collection method: clinical testing. Allele origin: germline. Affected: yes.
Comment: This variant is considered likely benign or benign based on one or more of the following criteria: it is a conservative change, it occurs at a poorly conserved position in the protein, it is predicted to be benign by multiple in silico algorithms, and/or has population frequency not consistent with disease.

Breakthrough Genomics
Classification: Likely benign. Review status: criteria provided, single submitter. Criteria: ACMG Guidelines, 2015. Collection method: not provided. Allele origin: germline. Inheritance: Autosomal recessive inheritance. Affected: yes.

NM_001005361.3(DNM2):c.666C>T (p.Asn222=)

Gene: DNM2 (dynamin 2; plus strand). Cytogenetic location: 19p13.2.
Variant type: single nucleotide variant.
Coding change: c.666C>T on transcript NM_001005361.3 (MANE Select); coding-DNA position 666, C replaced by T.
Protein change: p.Asn222=; no amino-acid change (asparagine 222 retained).
Molecular consequence: synonymous variant.
Genome position (GRCh38, 1-based): chr19:10,777,194, C>T. VCF-style: chr19-10777194-C-T. GRCh37 (hg19) VCF-style: chr19-10887870-C-T.
Other names: c.666C>T, p.Asn222= (NM_001005360.3, NM_001005362.3, NM_001190716.2 and 1 more transcripts).
Identifiers: ClinVar variation 512773 (VCV000512773.52), dbSNP rs2229921, ClinGen allele CA9200853.